The following is an entry in ClinVar:

NM_005912.3(MC4R):c.584T>C (p.Ile195Thr)

Gene: MC4R (melanocortin 4 receptor; minus strand). Cytogenetic location: 18q21.32.
Variant type: single nucleotide variant.
Coding change: c.584T>C on transcript NM_005912.3 (MANE Select); coding-DNA position 584, T replaced by C.
Protein change: p.Ile195Thr; replaces isoleucine 195 with threonine.
Molecular consequence: missense variant.
Genome position (GRCh38, 1-based): chr18:60,371,766, A>G on the plus strand (T>C on the coding strand, the complement: MC4R is on the minus strand). VCF-style: chr18-60371766-A-G. GRCh37 (hg19) VCF-style: chr18-58038999-A-G.
Other names: short protein forms I195T.
Identifiers: ClinVar variation 4978413 (VCV004978413.2).
Genomic context (GRCh38, chr18:60,371,766, plus strand): 5'-ATGTGGACATAGAGAGAAGCCATGAGAGCCAGCATGGTGAAGAACATGGTGATGAGGCAG[A>G]TGATGACAGCACTACTATCTGAGTAAATGATGAACAAAATGCCTGAAACCGTGCAAGCTG-3'
Protein context (NP_005903.2, residues 185-205): IIYSDSSAVI[Ile195Thr]CLITMFFTML

ClinVar aggregate classification (germline): Uncertain significance. Review status: criteria provided, multiple submitters, no conflicts (2 of 4 stars). 2 submissions from 2 submitters: Uncertain significance (2). Last evaluated 2026-03-27.

Conditions:
MC4R-related disorder. Also called: MC4R-related condition.

Submissions (2):

GeneDx
Classification: Uncertain significance. Last evaluated: 2026-03-27. Review status: criteria provided, single submitter. Criteria: GeneDx Variant Classification Process June 2021. Collection method: clinical testing. Allele origin: germline.
Comment: Not observed at significant frequency in large population cohorts (gnomAD); In silico analysis supports that this missense variant has a deleterious effect on protein structure/function; This variant is associated with the following publications: (PMID: 38567654, 35562395, 32952152)

PreventionGenetics, part of Exact Sciences
Classification: Uncertain significance for MC4R-related condition. Last evaluated: 2025-04-08. Review status: criteria provided, single submitter. Criteria: ACMG Guidelines, 2015. Collection method: clinical testing. Allele origin: germline.
Comment: The MC4R c.584T>C variant is predicted to result in the amino acid substitution p.Ile195Thr. This variant has been previously reported in two individuals with obesity (Namjou et al. 2020. PubMed ID: 32952152; Table S1, Roberts et al. 2022. PubMed ID: 35562395). A different variant affecting the same amino acid (p.Ile195Ser) has been reported in one patient with obesity (Wangensteen et al. 2009. PubMed ID: 19301229). This variant has not been reported in a large population database (gnomAD), indicating this variant is rare. Although we suspect that this variant may be pathogenic, at this time, the clinical significance of this variant is uncertain due to the absence of conclusive functional and genetic evidence.